The following is an entry in ClinVar:

ClinVar aggregate classification (germline): Likely benign. Review status: criteria provided, multiple submitters, no conflicts (2 of 4 stars). 2 submissions from 2 submitters: Likely benign (2). Last evaluated 2024-08-21.

Conditions:
Fanconi anemia complementation group J. Also called: BRIP1-Related Fanconi Anemia. Identifiers: Orphanet 84, MedGen C1836860, MONDO:0012187, OMIM 609054.
Familial cancer of breast. Also called: Hereditary breast cancer; BREAST CANCER, FAMILIAL; hereditary breast carcinoma. Identifiers: Orphanet 227535, MedGen C0346153, MONDO:0016419, OMIM 114480. Disease mechanism: loss of function.

gnomAD v4.1: 1 of 1,613,652 alleles (0.000062%); highest among the groups gnomAD compares: Non-Finnish European, 0.000085%; no homozygotes.

Submissions (2):

Myriad Genetics, Inc.
Classification: Likely benign for Familial cancer of breast. Last evaluated: 2024-08-21. Review status: criteria provided, single submitter. Criteria: Myriad Autosomal Dominant, Autosomal Recessive and X-Linked Classification Criteria (2023). Collection method: clinical testing. Allele origin: unknown.
Comment: This variant is considered likely benign. This variant is intronic and is not expected to impact mRNA splicing.

Labcorp Genetics (formerly Invitae), Labcorp
Classification: Likely benign for Familial cancer of breast; Fanconi anemia complementation group J. Last evaluated: 2020-12-04. Review status: criteria provided, single submitter. Criteria: Invitae Variant Classification Sherloc (09022015). Collection method: clinical testing. Allele origin: germline.

NM_032043.3(BRIP1):c.508-10G>A

Gene: BRIP1 (BRCA1 interacting DNA helicase 1; minus strand). Cytogenetic location: 17q23.2.
Variant type: single nucleotide variant.
Coding change: c.508-10G>A on transcript NM_032043.3 (MANE Select); 10 bases into the intron before coding-DNA position 508, G replaced by A.
Molecular consequence: intron variant.
Genome position (GRCh38, 1-based): chr17:61,847,230, C>T on the plus strand (G>A on the coding strand, the complement: BRIP1 is on the minus strand). VCF-style: chr17-61847230-C-T. GRCh37 (hg19) VCF-style: chr17-59924591-C-T.
Identifiers: ClinVar variation 1531004 (VCV001531004.10), dbSNP rs2078749443, ClinGen allele CA2573154345.